The following is an entry in ClinVar:

NM_198129.4(LAMA3):c.8565C>T (p.Ser2855=)

Gene: LAMA3 (laminin subunit alpha 3; plus strand). Cytogenetic location: 18q11.2.
Variant type: single nucleotide variant.
Coding change: c.8565C>T on transcript NM_198129.4 (MANE Select); coding-DNA position 8565, C replaced by T.
Protein change: p.Ser2855=; no amino-acid change (serine 2855 retained).
Molecular consequence: synonymous variant.
Genome position (GRCh38, 1-based): chr18:23,931,190, C>T. VCF-style: chr18-23931190-C-T. GRCh37 (hg19) VCF-style: chr18-21511154-C-T.
Other names: c.3738C>T (NM_000227.4); c.3738C>T, p.Ser1246= (NM_000227.6); c.8397C>T, p.Ser2799= (NM_001127717.4); c.3570C>T, p.Ser1190= (NM_001127718.4).
Identifiers: ClinVar variation 1110601 (VCV001110601.10), dbSNP rs140217909, ClinGen allele CA8916943.
Genomic context (GRCh38, chr18:23,931,190, plus strand): 5'-AATTTTTAAATCTCCACAGACGTATATGGATGGTTTACTGCATTATGTATCTGTAATAAG[C>T]GACAACTCTGGGTGAGTGGAATAATACTTCTGTCAGAGCTGTGAGTGAGTTTTACTCTCT-3'
Protein context (NP_937762.2, residues 2845-2865): DGLLHYVSVI[Ser2855=]DNSGLRLLID

ClinVar aggregate classification (germline): Likely benign. Review status: criteria provided, multiple submitters, no conflicts (2 of 4 stars). 2 submissions from 2 submitters: Likely benign (2). Last evaluated 2025-10-15.

Conditions:
LAMA3-related disorder. Also called: LAMA3-related condition; LAMA3-related disorders.

Allele frequency attached by ClinVar (database versions not stated): gnomAD 0.00001; TOPMed 0.00001; ExAC 0.00002; gnomAD exomes 0.00002; ESP Exome Variant Server 0.00015.
gnomAD v4.1: 22 of 1,612,170 alleles (0.0014%); highest among the groups gnomAD compares: African/African-American, 0.0067%; no homozygotes.

Submissions (2):

PreventionGenetics, part of Exact Sciences
Classification: Likely benign for LAMA3-related condition. Last evaluated: 2025-10-15. Review status: criteria provided, single submitter. Criteria: ACMG Guidelines, 2015. Collection method: clinical testing. Allele origin: germline.
Comment: This variant is classified as likely benign based on ACMG/AMP sequence variant interpretation guidelines (Richards et al. 2015 PMID: 25741868, with internal and published modifications).

Labcorp Genetics (formerly Invitae), Labcorp
Classification: Likely benign. Last evaluated: 2023-12-18. Review status: criteria provided, single submitter. Criteria: Invitae Variant Classification Sherloc (09022015). Collection method: clinical testing. Allele origin: germline.